The following is an entry in ClinVar:

ClinVar aggregate classification (germline): Likely benign. Review status: criteria provided, multiple submitters, no conflicts (2 of 4 stars). 2 submissions from 2 submitters: Likely benign (2). Last evaluated 2026-01-25.

Allele frequency attached by ClinVar (database versions not stated): gnomAD exomes 0.00001.
gnomAD v4.1: 7 of 1,613,934 alleles (0.00043%); highest among the groups gnomAD compares: Non-Finnish European, 0.00059%; no homozygotes.

Submissions (2):

Ambry Genetics
Classification: Likely benign. Last evaluated: 2026-01-25. Review status: criteria provided, single submitter. Criteria: Ambry Variant Classification Scheme 2023. Collection method: clinical testing. Allele origin: germline.

GeneDx
Classification: Likely benign. Last evaluated: 2017-04-19. Review status: criteria provided, single submitter. Criteria: GeneDx Variant Classification (06012015). Collection method: clinical testing. Allele origin: germline. Affected: yes.
Comment: This variant is considered likely benign or benign based on one or more of the following criteria: it is a conservative change, it occurs at a poorly conserved position in the protein, it is predicted to be benign by multiple in silico algorithms, and/or has population frequency not consistent with disease.

NM_006393.3(NEBL):c.2484C>T (p.Ile828=)

Gene: NEBL (nebulette; minus strand). Cytogenetic location: 10p12.31.
Variant type: single nucleotide variant.
Coding change: c.2484C>T on transcript NM_006393.3 (MANE Select); coding-DNA position 2484, C replaced by T.
Protein change: p.Ile828=; no amino-acid change (isoleucine 828 retained).
Molecular consequence: synonymous variant.
Genome position (GRCh38, 1-based): chr10:20,812,803, G>A on the plus strand (C>T on the coding strand, the complement: NEBL is on the minus strand). VCF-style: chr10-20812803-G-A. GRCh37 (hg19) VCF-style: chr10-21101732-G-A.
Other names: c.495C>T, p.Ile165= (NM_001173484.2, NM_001377322.1, NM_213569.2); c.447C>T, p.Ile149= (NM_001377323.1); c.438C>T, p.Ile146= (NM_001377324.1); c.429C>T, p.Ile143= (NM_001377325.1); c.387C>T, p.Ile129= (NM_001377326.1, NM_001377327.1, NM_001377328.1).
Identifiers: ClinVar variation 509046 (VCV000509046.2), dbSNP rs1315850585, ClinGen allele CA468445317.